The following is an entry in ClinVar:

NM_152383.5(DIS3L2):c.2387A>G (p.Tyr796Cys)

Gene: DIS3L2 (DIS3 like 3'-5' exoribonuclease 2; plus strand). Cytogenetic location: 2q37.1.
Variant type: single nucleotide variant.
Coding change: c.2387A>G on transcript NM_152383.5 (MANE Select); coding-DNA position 2387, A replaced by G.
Protein change: p.Tyr796Cys; replaces tyrosine 796 with cysteine.
Molecular consequence: missense variant. On other transcripts: non-coding transcript variant (2), intron variant (1).
Genome position (GRCh38, 1-based): chr2:232,334,728, A>G. VCF-style: chr2-232334728-A-G. GRCh37 (hg19) VCF-style: chr2-233199438-A-G.
Other names: c.1582-8617A>G (NM_001257281.2); short protein forms Y796C.
Identifiers: ClinVar variation 1417668 (VCV001417668.8), dbSNP rs2106354802, ClinGen allele CA350978105.
Genomic context (GRCh38, chr2:232,334,728, plus strand): 5'-GCATCCTGAAGCAAGCCTTCGACGTGCTGGTGCTGCGCTACGGCGTGCAGAAGCGCATCT[A>G]CTGCAACGTGAGTGCCCTGGGAGAGCCCGGGGGCGGGCAGGGCAGCCCAAGCCATCCCGC-3'
Protein context (NP_689596.4, residues 786-806): VLRYGVQKRI[Tyr796Cys]CNALALRSHH

ClinVar aggregate classification (germline): Uncertain significance (1 of 4 stars; one submission).

Conditions:
Perlman syndrome (PRLMNS). Identifiers: Orphanet 2849, MedGen C0796113, MONDO:0009965, OMIM 267000.

Submission:

Labcorp Genetics (formerly Invitae), Labcorp
Classification: Uncertain significance for Perlman syndrome. Last evaluated: 2022-01-26. Review status: criteria provided, single submitter. Criteria: Invitae Variant Classification Sherloc (09022015). Collection method: clinical testing. Allele origin: germline.
Comment: In summary, the available evidence is currently insufficient to determine the role of this variant in disease. Therefore, it has been classified as a Variant of Uncertain Significance. Algorithms developed to predict the effect of missense changes on protein structure and function are either unavailable or do not agree on the potential impact of this missense change (SIFT: "Tolerated"; PolyPhen-2: "Probably Damaging"; Align-GVGD: "Class C0"). This variant has not been reported in the literature in individuals affected with DIS3L2-related conditions. This variant is not present in population databases (gnomAD no frequency). This sequence change replaces tyrosine, which is neutral and polar, with cysteine, which is neutral and slightly polar, at codon 796 of the DIS3L2 protein (p.Tyr796Cys).